The following is an entry in ClinVar:

ClinVar aggregate classification (germline): Pathogenic/Likely pathogenic. Review status: criteria provided, multiple submitters, no conflicts (2 of 4 stars). 2 submissions from 2 submitters: Pathogenic (1); Likely pathogenic (1). Last evaluated 2026-01-30.

Conditions:
Loeys-Dietz syndrome 4 (LDS4). Also called: ANEURYSM, AORTIC AND CEREBRAL, WITH ARTERIAL TORTUOSITY AND SKELETAL MANIFESTATIONS; TGFB2-Related Loeys-Dietz Syndrome. Identifiers: MedGen C3553762, MONDO:0013897, OMIM 614816.

Submissions (2):

GeneDx
Classification: Likely pathogenic. Last evaluated: 2026-01-30. Review status: criteria provided, single submitter. Criteria: GeneDx Variant Classification Process June 2021. Collection method: clinical testing. Allele origin: germline.
Comment: Nonsense variant predicted to result in protein truncation or nonsense mediated decay in a gene for which loss of function is a known mechanism of disease; Not observed at significant frequency in large population cohorts (gnomAD); Has not been previously published as pathogenic or benign to our knowledge

Labcorp Genetics (formerly Invitae), Labcorp
Classification: Pathogenic for Loeys-Dietz syndrome 4. Last evaluated: 2026-01-14. Review status: criteria provided, single submitter. Criteria: Invitae Variant Classification Sherloc (09022015). Collection method: clinical testing. Allele origin: germline.
Comment: This sequence change creates a premature translational stop signal (p.Lys272*) in the TGFB2 gene. It is expected to result in an absent or disrupted protein product. Loss-of-function variants in TGFB2 are known to be pathogenic (PMID: 22772368, 22772371, 30739908). This variant is not present in population databases (gnomAD no frequency). This variant has not been reported in the literature in individuals affected with TGFB2-related conditions. ClinVar contains an entry for this variant (Variation ID: 3360082). Algorithms developed to predict the effect of sequence changes on RNA splicing suggest that this variant may disrupt the consensus splice site. For these reasons, this variant has been classified as Pathogenic.

Literature cited by the submitters: PubMed 22772368 (cited by Labcorp Genetics (formerly Invitae), Labcorp); PubMed 22772371 (cited by Labcorp Genetics (formerly Invitae), Labcorp); PubMed 30739908 (cited by Labcorp Genetics (formerly Invitae), Labcorp).

NM_003238.6(TGFB2):c.814A>T (p.Lys272Ter)

Gene: TGFB2 (transforming growth factor beta 2; plus strand). Cytogenetic location: 1q41.
Variant type: single nucleotide variant.
Coding change: c.814A>T on transcript NM_003238.6 (MANE Select); coding-DNA position 814, A replaced by T.
Protein change: p.Lys272Ter; replaces lysine 272 with a stop codon.
Molecular consequence: nonsense.
Genome position (GRCh38, 1-based): chr1:218,436,029, A>T. VCF-style: chr1-218436029-A-T. GRCh37 (hg19) VCF-style: chr1-218609371-A-T.
Other names: c.898A>T, p.Lys300Ter (NM_001135599.4); short protein forms K272*, K300*.
Identifiers: ClinVar variation 3360082 (VCV003360082.3).